The following is an entry in ClinVar:

NM_000238.4(KCNH2):c.3020G>T (p.Arg1007Leu)

Gene: KCNH2 (potassium voltage-gated channel subfamily H member 2; minus strand). Cytogenetic location: 7q36.1.
Variant type: single nucleotide variant.
Coding change: c.3020G>T on transcript NM_000238.4 (MANE Select); coding-DNA position 3020, G replaced by T.
Protein change: p.Arg1007Leu; replaces arginine 1007 with leucine.
Molecular consequence: missense variant.
Genome position (GRCh38, 1-based): chr7:150,947,460, C>A on the plus strand (G>T on the coding strand, the complement: KCNH2 is on the minus strand). VCF-style: chr7-150947460-C-A. GRCh37 (hg19) VCF-style: chr7-150644548-C-A.
Other names: c.2732G>T, p.Arg911Leu (NM_001406753.1); c.2000G>T, p.Arg667Leu (NM_172057.3); short protein forms R1007L, R911L, R667L.
Identifiers: ClinVar variation 2092328 (VCV002092328.4), dbSNP rs199473542, ClinGen allele CA036361.
Genomic context (GRCh38, chr7:150,947,460, plus strand): 5'-AGGGGGATGTTGAGGAGGCTGGGGGTGGGGGCGGGGCATCGAGGGAGCTCCTGGTACTGG[C>A]GGCCCCGACTGTCCCCCCAGAAGCTGAAAATGTTGGACACTCCTGAGAAGGCGCCTGCAG-3'
Protein context (NP_000229.1, residues 997-1017): IFSFWGDSRG[Arg1007Leu]QYQELPRCPA

ClinVar aggregate classification (germline): Uncertain significance (1 of 4 stars; one submission).

Conditions:
Long QT syndrome (LQTS). Identifiers: MedGen C0023976, MeSH D008133, MONDO:0002442. Disease mechanism: loss of function. Inheritance: Various modes of inheritance.

Submission:

Labcorp Genetics (formerly Invitae), Labcorp
Classification: Uncertain significance for Long QT syndrome. Last evaluated: 2022-10-13. Review status: criteria provided, single submitter. Criteria: Invitae Variant Classification Sherloc (09022015). Collection method: clinical testing. Allele origin: germline.
Comment: This sequence change replaces arginine, which is basic and polar, with leucine, which is neutral and non-polar, at codon 1007 of the KCNH2 protein (p.Arg1007Leu). This variant is not present in population databases (gnomAD no frequency). This variant has not been reported in the literature in individuals affected with KCNH2-related conditions. Algorithms developed to predict the effect of missense changes on protein structure and function (SIFT, PolyPhen-2, Align-GVGD) all suggest that this variant is likely to be tolerated. In summary, the available evidence is currently insufficient to determine the role of this variant in disease. Therefore, it has been classified as a Variant of Uncertain Significance.